The following is an entry in ClinVar:

ClinVar aggregate classification (germline): Uncertain significance (1 of 4 stars; one submission).

Conditions:
DOCK2 deficiency. Also called: Immunodeficiency 40. Identifiers: Orphanet 447737, MedGen C4225328, MONDO:0014637, OMIM 616433.

gnomAD v4.1: 19 of 1,614,018 alleles (0.0012%); highest among the groups gnomAD compares: African/African-American, 0.0013%; no homozygotes.

Submission:

Labcorp Genetics (formerly Invitae), Labcorp
Classification: Uncertain significance for DOCK2 deficiency. Last evaluated: 2021-11-16. Review status: criteria provided, single submitter. Criteria: Invitae Variant Classification Sherloc (09022015). Collection method: clinical testing. Allele origin: germline.
Comment: This sequence change replaces arginine, which is basic and polar, with glutamine, which is neutral and polar, at codon 1596 of the DOCK2 protein (p.Arg1596Gln). This variant is not present in population databases (gnomAD no frequency). This variant has not been reported in the literature in individuals affected with DOCK2-related conditions. Algorithms developed to predict the effect of missense changes on protein structure and function are either unavailable or do not agree on the potential impact of this missense change (SIFT: "Deleterious"; PolyPhen-2: "Benign"; Align-GVGD: "Class C0"). In summary, the available evidence is currently insufficient to determine the role of this variant in disease. Therefore, it has been classified as a Variant of Uncertain Significance.

NM_004946.3(DOCK2):c.4787G>A (p.Arg1596Gln)

Gene: DOCK2 (dedicator of cytokinesis 2; plus strand). Cytogenetic location: 5q35.1.
Variant type: single nucleotide variant.
Coding change: c.4787G>A on transcript NM_004946.3 (MANE Select); coding-DNA position 4787, G replaced by A.
Protein change: p.Arg1596Gln; replaces arginine 1596 with glutamine.
Molecular consequence: missense variant. On other transcripts: non-coding transcript variant (1).
Genome position (GRCh38, 1-based): chr5:170,076,005, G>A. VCF-style: chr5-170076005-G-A. GRCh37 (hg19) VCF-style: chr5-169503009-G-A.
Other names: short protein forms R1596Q.
Identifiers: ClinVar variation 1354713 (VCV001354713.3), dbSNP rs1445802602, ClinGen allele CA362115091.